The following is an entry in ClinVar:

NC_000023.11:g.154420879_154420896delinsA

Gene: TAFAZZIN (tafazzin, phospholipid-lysophospholipid transacylase; plus strand). Cytogenetic location: Xq28.
Variant type: Indel.
Genome position: GRCh38 VCF-style: chrX-154420879-GCCATCCCTGGTCCTTTC-A. GRCh37 (hg19) VCF-style: chrX-153649218-GCCATCCCTGGTCCTTTC-A.
Other names: c.790-24_790-7delinsA (NM_001303465.2); c.778-24_778-7delinsA (NM_000116.5); c.736-24_736-7delinsA (NM_181312.4); c.688-24_688-7delinsA (NM_181311.4); c.646-24_646-7delinsA (NM_181313.4).
Identifiers: ClinVar variation 42268 (VCV000042268.5), dbSNP rs397515749, ClinGen allele CA131112.
Genomic context (GRCh38, chrX:154,420,879, plus strand): 5'-CCGTCACCCTCCCAGGGCACCCTCCCAGGGCACCTTGGCCAAGCTTCCCGAGGGGTGCAG[GCCATCCCTGGTCCTTTC>A]CCTCAGGTGGAGATGCGGAAAGCCCTGACGGACTTCATTCAAGAGGAATTCCAGCATCTG-3'

ClinVar aggregate classification (germline): Uncertain significance (1 of 4 stars; one submission).

Submission:

Laboratory for Molecular Medicine, Mass General Brigham Personalized Medicine
Classification: Uncertain significance. Last evaluated: 2011-03-29. Review status: criteria provided, single submitter. Criteria: LMM Criteria. Collection method: clinical testing. Allele origin: germline. Observed: 2 variant alleles.
Comment: Variant classified as Uncertain Significance - Favor Pathogenic. The 778-24_778- 7delinsA variant has not been reported in the literature and has not been previo usly detected in 369 Caucasian individuals tested by our laboratory. This varian t affects a region that is part of the splicing consensus sequence (-3 and -5 to -12) computational analyses predict that it affects splicing of exon 11. Howeve r, these tools are not predictive enough to assume pathogenicity and further mRN A studies are needed to confirm this. Pathogenic splice variants are common in t he TAZ gene and the presence of a TAZ variant is consistent with this individual?s clinical presentation and family history. In summary, it is very likely that the 778-24_778-7delinsA variant is causative or at least contributory to disease but additional studies are necessary to determi ne its significance with certainty.